The following is an entry in ClinVar:

NM_016363.5(GP6):c.655C>T (p.Pro219Ser)

Gene: GP6 (glycoprotein VI platelet; minus strand). Cytogenetic location: 19q13.42.
Variant type: single nucleotide variant.
Coding change: c.655C>T on transcript NM_016363.5 (MANE Select); coding-DNA position 655, C replaced by T.
Protein change: p.Pro219Ser; replaces proline 219 with serine.
Molecular consequence: missense variant. On other transcripts: intron variant (1).
Genome position (GRCh38, 1-based): chr19:55,025,227, G>A on the plus strand (C>T on the coding strand, the complement: GP6 is on the minus strand). VCF-style: chr19-55025227-G-A. GRCh37 (hg19) VCF-style: chr19-55536595-G-A.
Other names: c.655C>T, p.Pro219Ser (NM_001083899.2, LRG_560t3, LRG_560t1); c.610+2351C>T (NM_001256017.2, LRG_560t2); short protein forms P219S.
Identifiers: ClinVar variation 257422 (VCV000257422.9), dbSNP rs1613662, ClinGen allele CA310128585.
Genomic context (GRCh38, chr19:55,025,227, plus strand): 5'-GGTCCGTGTACCTCATACGCTGTGCACCAGAATGGACCCTGCAGAACCTACCTGCTACCG[G>A]GGAAGGTGGTTCTGTTGGTAACCGGCTGGGGGTCACAGAGGTTCCTGGGAAATCAGAAAA-3'
Protein context (NP_057447.5, residues 209-229): PSRLPTEPPS[Pro219Ser]VAEFSEATAE

ClinVar aggregate classification (germline): Benign. Review status: criteria provided, multiple submitters, no conflicts (2 of 4 stars). 5 submissions from 5 submitters: Benign (5). Last evaluated 2026-02-04.

Conditions:
Platelet-type bleeding disorder 11 (BDPLT11). Also called: GLYCOPROTEIN VI DEFICIENCY; GP VI DEFICIENCY. Identifiers: Orphanet 73271, Orphanet 98885, MedGen C3280120, MONDO:0013623, OMIM 614201.

Allele frequency attached by ClinVar (database versions not stated): gnomAD 0.83313 and 0.83453; 1000 Genomes Project 0.84265; ExAC 0.81390; ESP Exome Variant Server 0.82504; TOPMed 0.83186; 1000 Genomes Project 30x 0.84088; gnomAD exomes 0.84027 and 0.85351.
gnomAD v4.1: 1,294,244 of 1,541,374 alleles (84%); highest among the groups gnomAD compares: East Asian, 98%; 544,761 homozygotes.

Submissions (5):

Labcorp Genetics (formerly Invitae), Labcorp
Classification: Benign. Last evaluated: 2026-02-04. Review status: criteria provided, single submitter. Criteria: Invitae Variant Classification Sherloc (09022015). Collection method: clinical testing. Allele origin: germline.

Genome-Nilou Lab
Classification: Benign for Platelet-type bleeding disorder 11. Last evaluated: 2021-08-10. Review status: criteria provided, single submitter. Criteria: ACMG Guidelines, 2015. Collection method: clinical testing. Allele origin: germline. Affected: no.

GeneDx
Classification: Benign. Last evaluated: 2018-11-12. Review status: criteria provided, single submitter. Criteria: GeneDx Variant Classification Process June 2021. Collection method: clinical testing. Allele origin: germline. Affected: yes.
Comment: This variant is associated with the following publications: (PMID: 31699788, 11571236, 22133274, 19786296, 25525159, 20227257, 21232005, 20723028, 18349091, 19278955)

Breakthrough Genomics
Classification: Benign. Review status: criteria provided, single submitter. Criteria: ACMG Guidelines, 2015. Collection method: not provided. Allele origin: germline. Inheritance: Autosomal recessive inheritance. Affected: yes.

PreventionGenetics, part of Exact Sciences
Classification: Benign. Review status: criteria provided, single submitter. Criteria: ACMG Guidelines, 2015. Collection method: clinical testing. Allele origin: germline.